The following is an entry in ClinVar:

NM_016035.5(COQ4):c.149= (p.Gly50=)

Genes: COQ4 (coenzyme Q4; plus strand), LOC130002704 (ATAC-STARR-seq lymphoblastoid silent region 20335; plus strand). Cytogenetic location: 9q34.11.
Variant type: single nucleotide variant.
Coding change: c.149= on transcript NM_016035.5 (MANE Select); coding-DNA position 149, no change from the reference sequence.
Protein change: p.Gly50=; no amino-acid change (glycine 50 retained).
Molecular consequence: no sequence alteration.
Genome position: GRCh38 VCF-style: chr9-128323094-G-G. GRCh37 (hg19) VCF-style: chr9-131085373-G-G.
Other names: c.149=, p.Gly50= (NM_001305942.2).
Identifiers: ClinVar variation 382416 (VCV000382416.12), dbSNP rs3003601.
Genomic context (GRCh38, chr9:128,323,094, plus strand): 5'-GGAGCGACGGCGCCGGCCCGCTATACTCGCACCACCTCCCCACCTCCCCGCTGCAGAAAG[G=]GCTGTTGGCCGCCGGCTCCGCGGCGATGGCGCTCTATAACCCCTACCGCCACGGTAAGGC-3'
Protein context (NP_057119.3, residues 40-60): HHLPTSPLQK[Gly50=]LLAAGSAAMA

ClinVar aggregate classification (germline): Benign/Likely benign. Review status: criteria provided, multiple submitters, no conflicts (2 of 4 stars). 2 submissions from 2 submitters: Benign (1); Likely benign (1). Last evaluated 2026-01-26.

Conditions:
Neonatal encephalomyopathy-cardiomyopathy-respiratory distress syndrome. Also called: Coenzyme Q10 deficiency, primary, 7. Identifiers: Orphanet 457185, MedGen C5568562, MONDO:0014562, OMIM 616276.

Allele frequency attached by ClinVar (database versions not stated): 1000 Genomes Project 0.00200; 1000 Genomes Project 30x 0.00219; ESP Exome Variant Server 0.00295; TOPMed 0.00391.

Submissions (2):

Labcorp Genetics (formerly Invitae), Labcorp
Classification: Benign for Neonatal encephalomyopathy-cardiomyopathy-respiratory distress syndrome. Last evaluated: 2026-01-26. Review status: criteria provided, single submitter. Criteria: Invitae Variant Classification Sherloc (09022015). Collection method: clinical testing. Allele origin: germline.

GeneDx
Classification: Likely benign. Last evaluated: 2017-07-31. Review status: criteria provided, single submitter. Criteria: GeneDx Variant Classification (06012015). Collection method: clinical testing. Allele origin: germline. Affected: yes.
Comment: This variant is considered likely benign or benign based on one or more of the following criteria: it is a conservative change, it occurs at a poorly conserved position in the protein, it is predicted to be benign by multiple in silico algorithms, and/or has population frequency not consistent with disease.